The following is an entry in ClinVar:

NM_024408.4(NOTCH2):c.2263G>A (p.Glu755Lys)

Gene: NOTCH2 (notch receptor 2; minus strand). Cytogenetic location: 1p12.
Variant type: single nucleotide variant.
Coding change: c.2263G>A on transcript NM_024408.4 (MANE Select); coding-DNA position 2263, G replaced by A.
Protein change: p.Glu755Lys; replaces glutamic acid 755 with lysine.
Molecular consequence: missense variant.
Genome position (GRCh38, 1-based): chr1:119,953,645, C>T on the plus strand (G>A on the coding strand, the complement: NOTCH2 is on the minus strand). VCF-style: chr1-119953645-C-T. GRCh37 (hg19) VCF-style: chr1-120496268-C-T.
Other names: c.2263G>A, p.Glu755Lys (NM_001200001.2); c.2263G>A (NM_024408.3); short protein forms E755K.
Identifiers: ClinVar variation 3588356 (VCV003588356.2).

ClinVar aggregate classification (germline): Uncertain significance. Review status: criteria provided, multiple submitters, no conflicts (2 of 4 stars). 2 submissions from 2 submitters: Uncertain significance (2). Last evaluated 2024-11-18.

Conditions:
Alagille syndrome due to a NOTCH2 point mutation. Also called: Alagille syndrome 2. Identifiers: Orphanet 261629, Orphanet 52, MedGen C1857761, MONDO:0012439, OMIM 610205.
Hajdu-Cheney syndrome (HJCYS). Also called: ACROOSTEOLYSIS WITH OSTEOPOROSIS AND CHANGES IN SKULL AND MANDIBLE; SERPENTINE FIBULA-POLYCYSTIC KIDNEY SYNDROME; Acroosteolysis dominant type. Identifiers: Orphanet 955, MedGen C0917715, MONDO:0007057, OMIM 102500.

Submissions (2):

GeneDx
Classification: Uncertain significance. Last evaluated: 2024-11-18. Review status: criteria provided, single submitter. Criteria: GeneDx Variant Classification Process June 2021. Collection method: clinical testing. Allele origin: germline. Affected: yes.
Comment: Not observed at significant frequency in large population cohorts (gnomAD); In silico analysis supports that this missense variant has a deleterious effect on protein structure/function; Has not been previously published as pathogenic or benign to our knowledge

Fulgent Genetics
Classification: Uncertain significance for Hajdu-Cheney syndrome; Alagille syndrome due to a NOTCH2 point mutation. Last evaluated: 2024-04-08. Review status: criteria provided, single submitter. Criteria: ACMG Guidelines, 2015. Collection method: clinical testing. Allele origin: germline.